The following is an entry in ClinVar:

NM_000051.4(ATM):c.4730C>T (p.Thr1577Ile)

Gene: ATM (ATM serine/threonine kinase; plus strand). Cytogenetic location: 11q22.3.
Variant type: single nucleotide variant.
Coding change: c.4730C>T on transcript NM_000051.4 (MANE Select); coding-DNA position 4730, C replaced by T.
Protein change: p.Thr1577Ile; replaces threonine 1577 with isoleucine.
Molecular consequence: missense variant.
Genome position (GRCh38, 1-based): chr11:108,293,431, C>T. VCF-style: chr11-108293431-C-T. GRCh37 (hg19) VCF-style: chr11-108164158-C-T.
Other names: c.4730C>T, p.Thr1577Ile (NM_001351834.2); short protein forms T1577I.
Identifiers: ClinVar variation 1414318 (VCV001414318.6), dbSNP rs2135812963, ClinGen allele CA382535010.

ClinVar aggregate classification (germline): Uncertain significance (1 of 4 stars; one submission).

Conditions:
Ataxia-telangiectasia syndrome (AT). Also called: LOUIS-BAR SYNDROME; Cerebello-oculocutaneous telangiectasia; Immunodeficiency with ataxia telangiectasia; ATAXIA-TELANGIECTASIA, COMPLEMENTATION GROUP A; ATAXIA-TELANGIECTASIA, FRESNO VARIANT; Ataxia-telangiectasia, complementation group D. Identifiers: Orphanet 100, MedGen C0004135, MONDO:0008840, OMIM 208900.

Submission:

Labcorp Genetics (formerly Invitae), Labcorp
Classification: Uncertain significance for Ataxia-telangiectasia syndrome. Last evaluated: 2024-03-11. Review status: criteria provided, single submitter. Criteria: Invitae Variant Classification Sherloc (09022015). Collection method: clinical testing. Allele origin: germline.
Comment: This sequence change replaces threonine, which is neutral and polar, with isoleucine, which is neutral and non-polar, at codon 1577 of the ATM protein (p.Thr1577Ile). This variant is not present in population databases (gnomAD no frequency). This variant has not been reported in the literature in individuals affected with ATM-related conditions. ClinVar contains an entry for this variant (Variation ID: 1414318). An algorithm developed to predict the effect of missense changes on protein structure and function (PolyPhen-2) suggests that this variant is likely to be tolerated. In summary, the available evidence is currently insufficient to determine the role of this variant in disease. Therefore, it has been classified as a Variant of Uncertain Significance.